The following is an entry in ClinVar:

NM_007294.4(BRCA1):c.134+1651dup

Gene: BRCA1 (BRCA1 DNA repair associated; minus strand). Cytogenetic location: 17q21.31.
Variant type: Duplication.
Coding change: c.134+1651dup on transcript NM_007294.4 (MANE Select); 1651 bases into the intron after coding-DNA position 134, one base duplicated (T; older notation c.134+1651dupT).
Molecular consequence: intron variant.
Genome position (GRCh38, 1-based): chr17:43,114,075, A duplicated on the plus strand (T on the coding strand, the reverse complement: BRCA1 is on the minus strand); the first of 13 consecutive A bases (chr17:43,114,075-43,114,087); duplicating any one gives the same sequence. VCF-style (leftmost placement, unchanged base first): chr17-43114074-C-CA. GRCh37 (hg19) VCF-style: chr17-41266091-C-CA.
Other names: c.134+1651dup (NM_001408431.1, NM_001408424.1, NM_001408407.1 and 191 more transcripts); c.-286+1651dup (NM_001407965.1); c.-124+1651dup (NM_001407930.1, NM_001407843.1, NM_001408456.1 and 13 more transcripts); c.-128+1651dup (NM_001408465.1); c.-55+1651dup (NM_001408482.1, NM_001407954.1, NM_001407896.1 and 52 more transcripts); c.-8+1651dup (NM_001407920.1, NM_001408504.1, NM_001408463.1 and 47 more transcripts); c.-8+7483dup (NM_001407751.1, NM_001407726.1); c.-171+1651dup (NM_001407900.1, NM_001408492.1); and 10 more.
Identifiers: ClinVar variation 264800 (VCV000264800.2), dbSNP rs541592598, ClinGen allele CA10588253.
Genomic context (GRCh38, chr17:43,114,074, plus strand): 5'-GCAGTGAGCCGAGATCACACCACTGCACTCCAGCCTGGGCAATAGAGTGAAACACCATCT[C>CA]AAAAAAAAAAAAAGACAGGGTCTCACTCTGTCATCTAGGCTGGAGTGCAGTGGTGTGATC-3'

ClinVar aggregate classification (germline): Benign (3 of 4 stars; one submission).

Conditions:
Breast-ovarian cancer, familial, susceptibility to, 1 (BROVCA1). Also called: BRCA1 Hereditary Breast and Ovarian Cancer; OVARIAN CANCER, SUSCEPTIBILITY TO. Identifiers: Orphanet 145, MedGen C2676676, MONDO:0011450, OMIM 604370. Disease mechanism: loss of function.

Submission:

Evidence-based Network for the Interpretation of Germline Mutant Alleles (ENIGMA)
Classification: Benign for Breast-ovarian cancer, familial, susceptibility to, 1. Last evaluated: 2016-09-28. Review status: reviewed by expert panel. Criteria: ENIGMA BRCA1/2 Classification Criteria (2015). Collection method: curation. Allele origin: germline.
Comment: Class 1 not pathogenic based on frequency >1% in an outbred sampleset. Frequency 0.0298 (European), 0.4629 (African), 0.0591 (Admixed American/Latino), 0.0109 (East Asian), 0.0501 (South Asian), derived from 1000 genomes (2013-05-02).